The following is an entry in ClinVar:

NM_017739.4(POMGNT1):c.130dup (p.Val44fs)

Gene: POMGNT1 (protein O-linked mannose N-acetylglucosaminyltransferase 1 (beta 1,2-); minus strand). Cytogenetic location: 1p34.1.
Variant type: Duplication.
Coding change: c.130dup on transcript NM_017739.4 (MANE Select); coding-DNA position 130, one base duplicated (G; older notation c.130dupG).
Protein change: p.Val44fs; shifts the reading frame from valine 44.
Molecular consequence: frameshift variant. On other transcripts: 5 prime UTR variant (1).
Genome position (GRCh38, 1-based): chr1:46,197,075, C duplicated on the plus strand (G on the coding strand, the reverse complement: POMGNT1 is on the minus strand). VCF-style (leftmost placement, unchanged base first): chr1-46197074-A-AC. GRCh37 (hg19) VCF-style: chr1-46662746-A-AC.
Other names: c.130dup, p.Val44fs (NM_001243766.2, NM_001410783.1, NM_001437653.1 and 3 more transcripts); c.64dup, p.Val22fs (NM_001290129.3, NM_001438691.1, NM_001438692.1); c.-300dup (NM_001290130.2); short protein forms V22fs, V44fs.
Identifiers: ClinVar variation 5011773 (VCV005011773.1).

ClinVar aggregate classification (germline): Pathogenic (1 of 4 stars; one submission).

Conditions:
Myopathy caused by variation in POMGNT1. Identifiers: MedGen CN305639, MONDO:0700068.

Submission:

Myriad Genetics, Inc.
Classification: Pathogenic for Myopathy caused by variation in POMGNT1. Last evaluated: 2023-09-27. Review status: criteria provided, single submitter. Criteria: Myriad Autosomal Dominant, Autosomal Recessive and X-Linked Classification Criteria (2023). Collection method: clinical testing. Allele origin: unknown.
Comment: NM_017739.3(POMGNT1):c.130dupG(V44Gfs*24) is expected to be pathogenic in the context of POMGNT1-related disorders. This variant is predicted to lead to an abnormal or absent protein product due to the creation of a premature termination codon in POMGNT1, a gene where loss-of-function variants are known to be pathogenic. Please note: this variant was assessed in the context of healthy population screening.